The following is an entry in ClinVar:

ClinVar aggregate classification (germline): Uncertain significance. Review status: criteria provided, multiple submitters, no conflicts (2 of 4 stars). 2 submissions from 2 submitters: Uncertain significance (2). Last evaluated 2025-03-08.

Conditions:
Inborn genetic diseases. Identifiers: MedGen C0950123, MeSH D030342.

Allele frequency attached by ClinVar (database versions not stated): ExAC 0.00007; ESP Exome Variant Server 0.00008; gnomAD exomes 0.00008; TOPMed 0.00016; gnomAD 0.00019 and 0.00020.
gnomAD v4.1: 491 of 1,598,712 alleles (0.031%); highest among the groups gnomAD compares: Non-Finnish European, 0.04%; no homozygotes.

Submissions (2):

Ambry Genetics
Classification: Uncertain significance for Inborn genetic diseases. Last evaluated: 2025-03-08. Review status: criteria provided, single submitter. Criteria: Ambry Variant Classification Scheme 2023. Collection method: clinical testing. Allele origin: germline.

Labcorp Genetics (formerly Invitae), Labcorp
Classification: Uncertain significance. Last evaluated: 2022-03-29. Review status: criteria provided, single submitter. Criteria: Invitae Variant Classification Sherloc (09022015). Collection method: clinical testing. Allele origin: germline.
Comment: This sequence change replaces histidine, which is basic and polar, with aspartic acid, which is acidic and polar, at codon 141 of the C2CD3 protein (p.His141Asp). This variant is present in population databases (rs150433820, gnomAD 0.02%). This variant has not been reported in the literature in individuals affected with C2CD3-related conditions. Algorithms developed to predict the effect of missense changes on protein structure and function are either unavailable or do not agree on the potential impact of this missense change (SIFT: "Deleterious"; PolyPhen-2: "Possibly Damaging"; Align-GVGD: "Class C0"). In summary, the available evidence is currently insufficient to determine the role of this variant in disease. Therefore, it has been classified as a Variant of Uncertain Significance.

NM_001286577.2(C2CD3):c.421C>G (p.His141Asp)

Gene: C2CD3 (C2 domain containing 3 centriole elongation regulator; minus strand). Cytogenetic location: 11q13.4.
Variant type: single nucleotide variant.
Coding change: c.421C>G on transcript NM_001286577.2 (MANE Select); coding-DNA position 421, C replaced by G.
Protein change: p.His141Asp; replaces histidine 141 with aspartic acid.
Molecular consequence: missense variant.
Genome position (GRCh38, 1-based): chr11:74,161,461, G>C on the plus strand (C>G on the coding strand, the complement: C2CD3 is on the minus strand). VCF-style: chr11-74161461-G-C. GRCh37 (hg19) VCF-style: chr11-73872506-G-C.
Other names: c.421C>G, p.His141Asp (NM_015531.6); c.421C>G (NM_015531.4); short protein forms H141D.
Identifiers: ClinVar variation 1427815 (VCV001427815.5), dbSNP rs150433820, ClinGen allele CA6183232.
Genomic context (GRCh38, chr11:74,161,461, plus strand): 5'-GGAGTTCTCCAAGTTTCTTAGACGTTGATGAAACAATGGTAAAAAATCCATTGATTTGAT[G>C]GGTTGGAGAAAGTTGAGCTAGTCCATTGATCTGAACTCTACCAATTGGAAGACCATCAAG-3'
Protein context (NP_001273506.1, residues 131-151): INGLAQLSPT[His141Asp]QINGFFTIVS